The following is an entry in ClinVar:

NM_000038.6(APC):c.2468C>A (p.Ser823Ter)

Gene: APC (APC regulator of Wnt signaling pathway; plus strand). Cytogenetic location: 5q22.2.
Variant type: single nucleotide variant.
Coding change: c.2468C>A on transcript NM_000038.6 (MANE Select); coding-DNA position 2468, C replaced by A.
Protein change: p.Ser823Ter; replaces serine 823 with a stop codon.
Molecular consequence: nonsense. On other transcripts: non-coding transcript variant (2).
Genome position (GRCh38, 1-based): chr5:112,838,062, C>A. VCF-style: chr5-112838062-C-A. GRCh37 (hg19) VCF-style: chr5-112173759-C-A.
Other names: c.2468C>A, p.Ser823Ter (NM_001127510.3, NM_001354895.2, NM_001407450.1); c.2414C>A, p.Ser805Ter (NM_001127511.3); c.2522C>A, p.Ser841Ter (NM_001354896.2, NM_001407447.1, NM_001407448.1 and 1 more transcripts); c.2498C>A, p.Ser833Ter (NM_001354897.2); c.2393C>A, p.Ser798Ter (NM_001354898.2); c.2384C>A, p.Ser795Ter (NM_001354899.2); c.2345C>A, p.Ser782Ter (NM_001354900.2); c.2291C>A, p.Ser764Ter (NM_001354901.2, NM_001407453.1); and 11 more; short protein forms S439*, S540*, S663*, S694*, S697*, S722*, S732*, S740*.
Identifiers: ClinVar variation 2583937 (VCV002583937.1), dbSNP rs1580622630, ClinGen allele CA16026750.

ClinVar aggregate classification (germline): Pathogenic (1 of 4 stars; one submission).

Conditions:
Familial adenomatous polyposis 1 (FAP1). Also called: FAMILIAL ADENOMATOUS POLYPOSIS 1, ATTENUATED; POLYPOSIS, ADENOMATOUS INTESTINAL. Identifiers: MedGen C2713442, MONDO:0021056, OMIM 175100. Disease mechanism: loss of function.

Submission:

Myriad Genetics, Inc.
Classification: Pathogenic for Familial adenomatous polyposis 1. Last evaluated: 2023-05-04. Review status: criteria provided, single submitter. Criteria: Myriad Autosomal Dominant, Autosomal Recessive and X-Linked Classification Criteria (2023). Collection method: clinical testing. Allele origin: unknown.
Comment: This variant is considered pathogenic. This variant creates a termination codon and is predicted to result in premature protein truncation.